The following is an entry in ClinVar:

NC_000023.10:g.(?_77150786)_(77289339_?)dup

Genes: ATP7A (ATPase copper transporting alpha; plus strand), COX7B (cytochrome c oxidase subunit 7B; plus strand), MAGT1 (magnesium transporter 1; minus strand), PGAM4 (phosphoglycerate mutase family member 4; minus strand). Cytogenetic location: Xq21.1.
Variant type: Duplication.
Identifiers: ClinVar variation 2422243 (VCV002422243.5).

ClinVar aggregate classification (germline): Uncertain significance (1 of 4 stars; one submission).

Conditions:
X-linked distal spinal muscular atrophy type 3. Also called: NEURONOPATHY, DISTAL HEREDITARY MOTOR, X-LINKED; NEUROPATHY, DISTAL HEREDITARY MOTOR, X-LINKED; ATP7A-Related Distal Motor Neuropathy; SPINAL MUSCULAR ATROPHY, DISTAL, X-LINKED RECESSIVE. Identifiers: Orphanet 139557, MedGen C1845359, MONDO:0010338, OMIM 300489.
Menkes kinky-hair syndrome (MNK). Also called: Classic Menkes Disease; Copper transport disease; Menkes Disease. Identifiers: Orphanet 565, MedGen C0022716, MONDO:0010651, OMIM 309400.
Cutis laxa, X-linked (OHS). Also called: EDS IX; Occipital horn syndrome. Identifiers: Orphanet 198, MedGen C0268353, MONDO:0010572, OMIM 304150.

Submission:

Labcorp Genetics (formerly Invitae), Labcorp
Classification: Uncertain significance for X-linked distal spinal muscular atrophy type 3; Cutis laxa, X-linked; Menkes kinky-hair syndrome. Last evaluated: 2023-10-23. Review status: criteria provided, single submitter. Criteria: Invitae Variant Classification Sherloc (09022015). Collection method: clinical testing. Allele origin: germline.
Comment: This variant results in a copy number gain of the genomic region encompassing exon(s) 1-17 of the ATP7A gene. This region includes the initiator codon of the gene. This copy number gain extends beyond the assayed region for this gene and therefore may encompass additional genes. As the precise location of this event is unknown, it may be in tandem or it may be located elsewhere in the genome. This variant has not been reported in the literature in individuals affected with ATP7A-related conditions. Experimental studies and prediction algorithms are not available or were not evaluated, and the functional significance of this variant is currently unknown. In summary, the available evidence is currently insufficient to determine the role of this variant in disease. Therefore, it has been classified as a Variant of Uncertain Significance.